The following is an entry in ClinVar:

NM_001035.3(RYR2):c.14485G>A (p.Asp4829Asn)

Gene: RYR2 (ryanodine receptor 2; plus strand). Cytogenetic location: 1q43.
Variant type: single nucleotide variant.
Coding change: c.14485G>A on transcript NM_001035.3 (MANE Select); coding-DNA position 14485, G replaced by A.
Protein change: p.Asp4829Asn; replaces aspartic acid 4829 with asparagine.
Molecular consequence: missense variant.
Genome position (GRCh38, 1-based): chr1:237,819,087, G>A. VCF-style: chr1-237819087-G-A. GRCh37 (hg19) VCF-style: chr1-237982387-G-A.
Other names: short protein forms D4829N.
Identifiers: ClinVar variation 2774425 (VCV002774425.3), dbSNP rs2528295817, ClinGen allele CA345426140.

ClinVar aggregate classification (germline): Uncertain significance. Review status: criteria provided, multiple submitters, no conflicts (2 of 4 stars). 2 submissions from 2 submitters: Uncertain significance (2). Last evaluated 2024-03-07.

Conditions:
Cardiomyopathy (CMYO). Also called: Cardiomyopathies. Identifiers: Orphanet 167848, MedGen C0878544, MONDO:0004994, HP:0001638. Inheritance: Various modes of inheritance.
Catecholaminergic polymorphic ventricular tachycardia (CVPT). Also called: Catecholamine-induced polymorphic ventricular tachycardia. Identifiers: Orphanet 3286, MedGen C5574922, MONDO:0017990.

Allele frequency attached by ClinVar (database versions not stated): gnomAD exomes below 0.00001.
gnomAD v4.1: 1 of 1,613,892 alleles (0.000062%); highest among the groups gnomAD compares: Non-Finnish European, 0.000085%; no homozygotes.

Submissions (2):

Color Diagnostics, LLC DBA Color Health
Classification: Uncertain significance for Cardiomyopathy. Last evaluated: 2024-03-07. Review status: criteria provided, single submitter. Criteria: ACMG Guidelines, 2015. Collection method: clinical testing. Allele origin: germline.
Comment: This missense variant replaces aspartic acid with asparagine at codon 4829 of the RYR2 protein. Computational prediction suggests that this variant may have deleterious impact on protein structure and function (internally defined REVEL score threshold >= 0.7, PMID: 27666373). To our knowledge, functional studies have not been reported for this variant. This variant has not been reported in individuals affected with RYR2-related disorders in the literature. This variant has not been identified in the general population by the Genome Aggregation Database (gnomAD). The available evidence is insufficient to determine the role of this variant in disease conclusively. Therefore, this variant is classified as a Variant of Uncertain Significance.

All of Us Research Program, National Institutes of Health
Classification: Uncertain significance for Catecholaminergic polymorphic ventricular tachycardia. Last evaluated: 2023-06-08. Review status: criteria provided, single submitter. Criteria: ACMG Guidelines, 2015. Collection method: clinical testing. Allele origin: germline. Inheritance: Autosomal dominant inheritance. Observed: 1 variant allele, 1 heterozygote.
Comment: This missense variant replaces aspartic acid with asparagine at codon 4829 of the RYR2 protein. Computational prediction suggests that this variant may have deleterious impact on protein structure and function (internally defined REVEL score threshold >= 0.7, PMID: 27666373). To our knowledge, functional studies have not been reported for this variant. This variant has not been reported in individuals affected with RYR2-related disorders in the literature. This variant has not been identified in the general population by the Genome Aggregation Database (gnomAD). The available evidence is insufficient to determine the role of this variant in disease conclusively. Therefore, this variant is classified as a Variant of Uncertain Significance.

This study involves interpretation of variants in research participants for the purpose of population health screening. Participant phenotype was not available at the time of variant classification. Additional details can be found in publication PMID: 35346344, PMCID: PMC8962531